The following is an entry in ClinVar:

NM_002029.4(FPR1):c.484A>G (p.Ile162Val)

Gene: FPR1 (formyl peptide receptor 1; minus strand). Cytogenetic location: 19q13.41.
Variant type: single nucleotide variant.
Coding change: c.484A>G on transcript NM_002029.4 (MANE Select); coding-DNA position 484, A replaced by G.
Protein change: p.Ile162Val; replaces isoleucine 162 with valine.
Molecular consequence: missense variant.
Genome position (GRCh38, 1-based): chr19:51,746,511, T>C on the plus strand (A>G on the coding strand, the complement: FPR1 is on the minus strand). VCF-style: chr19-51746511-T-C. GRCh37 (hg19) VCF-style: chr19-52249764-T-C.
Other names: c.484A>G, p.Ile162Val (NM_001193306.2); short protein forms I162V.
Identifiers: ClinVar variation 2877381 (VCV002877381.3), dbSNP rs2513920375, ClinGen allele CA407118575.
Genomic context (GRCh38, chr19:51,746,511, plus strand): 5'-GCGAAAAGTTAAAAGTGCAGGCTACTGTCCCCGTTTTACCAGGTACTGTAGTCACACGAA[T>C]GATAACTGGCAATGTGAGGAGCAGAGCCATCACCCAGGGCCCAATGATCACCTTCTTGGC-3'
Protein context (NP_002020.1, residues 152-172): MALLLTLPVI[Ile162Val]RVTTVPGKTG

ClinVar aggregate classification (germline): Uncertain significance (1 of 4 stars; one submission).

Conditions:
Gingival disorder. Also called: Gingival disease. Identifiers: MedGen C0017563, MONDO:0002021.

Submission:

Labcorp Genetics (formerly Invitae), Labcorp
Classification: Uncertain significance for Gingival disorder. Last evaluated: 2025-12-01. Review status: criteria provided, single submitter. Criteria: Invitae Variant Classification Sherloc (09022015). Collection method: clinical testing. Allele origin: germline.
Comment: This sequence change replaces isoleucine, which is neutral and non-polar, with valine, which is neutral and non-polar, at codon 162 of the FPR1 protein (p.Ile162Val). This variant is not present in population databases (gnomAD no frequency). This variant has not been reported in the literature in individuals affected with FPR1-related conditions. ClinVar contains an entry for this variant (Variation ID: 2877381). An algorithm developed to predict the effect of missense changes on protein structure and function (PolyPhen-2) suggests that this variant is likely to be tolerated. In summary, the available evidence is currently insufficient to determine the role of this variant in disease. Therefore, it has been classified as a Variant of Uncertain Significance.